The following is an entry in ClinVar:

ClinVar aggregate classification (germline): Uncertain significance (1 of 4 stars; one submission).

Allele frequency attached by ClinVar (database versions not stated): gnomAD exomes below 0.00001.

Submission:

Ambry Genetics
Classification: Uncertain significance. Last evaluated: 2024-10-28. Review status: criteria provided, single submitter. Criteria: Ambry Variant Classification Scheme 2023. Collection method: clinical testing. Allele origin: germline.
Comment: The p.F1275L variant (also known as c.3823T>C), located in coding exon 16 of the POLQ gene, results from a T to C substitution at nucleotide position 3823. The phenylalanine at codon 1275 is replaced by leucine, an amino acid with highly similar properties. This amino acid position is conserved. In addition, this alteration is predicted to be tolerated by in silico analysis. Since supporting evidence is limited at this time, the clinical significance of this alteration remains unclear.

NM_199420.4(POLQ):c.3823T>C (p.Phe1275Leu)

Gene: POLQ (DNA polymerase theta; minus strand). Cytogenetic location: 3q13.33.
Variant type: single nucleotide variant.
Coding change: c.3823T>C on transcript NM_199420.4 (MANE Select); coding-DNA position 3823, T replaced by C.
Protein change: p.Phe1275Leu; replaces phenylalanine 1275 with leucine.
Molecular consequence: missense variant.
Genome position (GRCh38, 1-based): chr3:121,489,108, A>G on the plus strand (T>C on the coding strand, the complement: POLQ is on the minus strand). VCF-style: chr3-121489108-A-G. GRCh37 (hg19) VCF-style: chr3-121207955-A-G.
Other names: short protein forms F1275L.
Identifiers: ClinVar variation 1735285 (VCV001735285.3), dbSNP rs1432057239, ClinGen allele CA354097068.
Genomic context (GRCh38, chr3:121,489,108, plus strand): 5'-TTTTTTCTTGTAGTCTAGAAATATTTAGAAAATTCTCATGCTGGCCTTCTGATTTGCTAA[A>G]TGCTCCAGCTGATGGAAGTACTTCACTGGGTATCACAGTTCTGCTTATATCATCTCCTAA-3'
Protein context (NP_955452.3, residues 1265-1285): PSEVLPSAGA[Phe1275Leu]SKSEGQHENF